The following is an entry in ClinVar:

ClinVar aggregate classification (germline): Likely benign. Review status: criteria provided, multiple submitters, no conflicts (2 of 4 stars). 3 submissions from 3 submitters: Likely benign (3). Last evaluated 2025-11-17.

Conditions:
Glycogen storage disease type III (GSD3). Also called: Cori disease; FORBES DISEASE. Identifiers: Orphanet 366, MedGen C0017922, MONDO:0009291, OMIM 232400.

Allele frequency attached by ClinVar (database versions not stated): gnomAD 0.00001; gnomAD exomes 0.00001 and 0.00002; TOPMed 0.00001; ExAC 0.00002; ESP Exome Variant Server 0.00015.
gnomAD v4.1: 10 of 1,613,906 alleles (0.00062%); highest among the groups gnomAD compares: African/African-American, 0.0013%; no homozygotes.

Submissions (3):

Labcorp Genetics (formerly Invitae), Labcorp
Classification: Likely benign for Glycogen storage disease type III. Last evaluated: 2025-11-17. Review status: criteria provided, single submitter. Criteria: Invitae Variant Classification Sherloc (09022015). Collection method: clinical testing. Allele origin: germline.

Genome-Nilou Lab
Classification: Likely benign for Glycogen storage disease type III. Last evaluated: 2021-07-15. Review status: criteria provided, single submitter. Criteria: ACMG Guidelines, 2015. Collection method: clinical testing. Allele origin: germline. Affected: no.

GeneDx
Classification: Likely benign. Last evaluated: 2018-05-07. Review status: criteria provided, single submitter. Criteria: GeneDx Variant Classification (06012015). Collection method: clinical testing. Allele origin: germline. Affected: yes.
Comment: This variant is considered likely benign or benign based on one or more of the following criteria: it is a conservative change, it occurs at a poorly conserved position in the protein, it is predicted to be benign by multiple in silico algorithms, and/or has population frequency not consistent with disease.

NM_000642.3(AGL):c.2571A>G (p.Gln857=)

Gene: AGL (amylo-alpha-1,6-glucosidase and 4-alpha-glucanotransferase; plus strand). Cytogenetic location: 1p21.2.
Variant type: single nucleotide variant.
Coding change: c.2571A>G on transcript NM_000642.3 (MANE Select); coding-DNA position 2571, A replaced by G.
Protein change: p.Gln857=; no amino-acid change (glutamine 857 retained).
Molecular consequence: synonymous variant.
Genome position (GRCh38, 1-based): chr1:99,884,593, A>G. VCF-style: chr1-99884593-A-G. GRCh37 (hg19) VCF-style: chr1-100350149-A-G.
Other names: c.2523A>G, p.Gln841= (NM_000646.3); c.2571A>G, p.Gln857= (NM_001425325.1, NM_001425326.1, NM_000028.3 and 2 more transcripts); c.2370A>G, p.Gln790= (NM_001425327.1); c.2367A>G, p.Gln789= (NM_001425328.1); c.2193A>G, p.Gln731= (NM_001425332.1).
Identifiers: ClinVar variation 668279 (VCV000668279.13), dbSNP rs373619867, ClinGen allele CA966832.